The following is an entry in ClinVar:

NM_022773.4(LMF1):c.1466C>T (p.Ala489Val)

Gene: LMF1 (lipase maturation factor 1; minus strand). Cytogenetic location: 16p13.3.
Variant type: single nucleotide variant.
Coding change: c.1466C>T on transcript NM_022773.4 (MANE Select); coding-DNA position 1466, C replaced by T.
Protein change: p.Ala489Val; replaces alanine 489 with valine.
Molecular consequence: missense variant. On other transcripts: synonymous variant (1), non-coding transcript variant (1).
Genome position (GRCh38, 1-based): chr16:869,007, G>A on the plus strand (C>T on the coding strand, the complement: LMF1 is on the minus strand). VCF-style: chr16-869007-G-A. GRCh37 (hg19) VCF-style: chr16-919007-G-A.
Other names: c.815C>T, p.Ala272Val (NM_001352017.2, NM_001352021.2); c.1067C>T, p.Ala356Val (NM_001352018.2); c.1139C>T, p.Ala380Val (NM_001352019.2); c.1386C>T, p.Gly462= (NM_001352020.1); short protein forms A380V, A272V, A356V, A489V.
Identifiers: ClinVar variation 4614529 (VCV004614529.1).

ClinVar aggregate classification (germline): Uncertain significance (1 of 4 stars; one submission).

Conditions:
Cardiovascular phenotype. Identifiers: MedGen CN230736.

Submission:

Ambry Genetics
Classification: Uncertain significance for Cardiovascular phenotype. Last evaluated: 2025-11-16. Review status: criteria provided, single submitter. Criteria: Ambry Variant Classification Scheme 2023. Collection method: clinical testing. Allele origin: germline.
Comment: The p.A489V variant (also known as c.1466C>T), located in coding exon 10 of the LMF1 gene, results from a C to T substitution at nucleotide position 1466. The alanine at codon 489 is replaced by valine, an amino acid with similar properties. This amino acid position is conserved. In addition, this alteration is predicted to be tolerated by in silico analysis. Based on the available evidence, the clinical significance of this variant remains unclear.